The following is an entry in ClinVar:

ClinVar aggregate classification (germline): Uncertain significance (1 of 4 stars; one submission).

Submission:

Labcorp Genetics (formerly Invitae), Labcorp
Classification: Uncertain significance. Last evaluated: 2023-09-19. Review status: criteria provided, single submitter. Criteria: Invitae Variant Classification Sherloc (09022015). Collection method: clinical testing. Allele origin: germline.
Comment: In summary, the available evidence is currently insufficient to determine the role of this variant in disease. Therefore, it has been classified as a Variant of Uncertain Significance. An algorithm developed to predict the effect of missense changes on protein structure and function (PolyPhen-2) suggests that this variant is likely to be disruptive. This variant has not been reported in the literature in individuals affected with TTC37-related conditions. This variant is not present in population databases (gnomAD no frequency). This sequence change replaces glycine, which is neutral and non-polar, with serine, which is neutral and polar, at codon 673 of the TTC37 protein (p.Gly673Ser).

NM_014639.4(SKIC3):c.2017G>A (p.Gly673Ser)

Gene: SKIC3 (SKI3 subunit of superkiller complex; minus strand). Cytogenetic location: 5q15.
Variant type: single nucleotide variant.
Coding change: c.2017G>A on transcript NM_014639.4 (MANE Select); coding-DNA position 2017, G replaced by A.
Protein change: p.Gly673Ser; replaces glycine 673 with serine.
Molecular consequence: missense variant.
Genome position (GRCh38, 1-based): chr5:95,520,813, C>T on the plus strand (G>A on the coding strand, the complement: SKIC3 is on the minus strand). VCF-style: chr5-95520813-C-T. GRCh37 (hg19) VCF-style: chr5-94856517-C-T.
Other names: short protein forms G673S.
Identifiers: ClinVar variation 2716357 (VCV002716357.2), dbSNP rs2530762414, ClinGen allele CA360462480.